The following is an entry in ClinVar:

NM_002471.4(MYH6):c.2736A>G (p.Lys912=)

Gene: MYH6 (myosin heavy chain 6; minus strand). Cytogenetic location: 14q11.2.
Variant type: single nucleotide variant.
Coding change: c.2736A>G on transcript NM_002471.4 (MANE Select); coding-DNA position 2736, A replaced by G.
Protein change: p.Lys912=; no amino-acid change (lysine 912 retained).
Molecular consequence: synonymous variant.
Genome position (GRCh38, 1-based): chr14:23,393,858, T>C on the plus strand (A>G on the coding strand, the complement: MYH6 is on the minus strand). VCF-style: chr14-23393858-T-C. GRCh37 (hg19) VCF-style: chr14-23863067-T-C.
Identifiers: ClinVar variation 1795338 (VCV001795338.8), dbSNP rs1595056561, ClinGen allele CA485765347.

ClinVar aggregate classification (germline): Likely benign. Review status: criteria provided, multiple submitters, no conflicts (2 of 4 stars). 4 submissions from 4 submitters: Likely benign (3). 1 of the submissions does not count toward it. Last evaluated 2025-01-16.

Conditions:
Cardiovascular phenotype. Identifiers: MedGen CN230736.
Hypertrophic cardiomyopathy 14. Identifiers: MedGen C2750467, MONDO:0013197, OMIM 613251.
MYH6-related disorder. Also called: MYH6-related condition; MYH6-Related Disorders.

Allele frequency attached by ClinVar (database versions not stated): gnomAD exomes below 0.00001; TOPMed below 0.00001.
gnomAD v4.1: 5 of 1,614,248 alleles (0.00031%); highest among the groups gnomAD compares: Non-Finnish European, 0.00042%; no homozygotes.

Submissions (4):

Labcorp Genetics (formerly Invitae), Labcorp
Classification: Likely benign for Hypertrophic cardiomyopathy 14. Last evaluated: 2025-01-16. Review status: criteria provided, single submitter. Criteria: Invitae Variant Classification Sherloc (09022015). Collection method: clinical testing. Allele origin: germline.

Blueprint Genetics
Classification: Likely benign. Last evaluated: 2022-11-03. Review status: criteria provided, single submitter. Criteria: ACMG Guidelines, 2015. Collection method: clinical testing. Allele origin: germline.

Ambry Genetics
Classification: Likely benign for Cardiovascular phenotype. Last evaluated: 2020-08-27. Review status: criteria provided, single submitter. Criteria: Ambry Variant Classification Scheme 2023. Collection method: clinical testing. Allele origin: germline.

PreventionGenetics, part of Exact Sciences
Classification: Likely benign for MYH6-related condition. Last evaluated: 2019-05-16. Review status: no assertion criteria provided. Collection method: clinical testing. Allele origin: germline. Not counted in ClinVar's aggregate classification.
Comment: This variant is classified as likely benign based on ACMG/AMP sequence variant interpretation guidelines (Richards et al. 2015 PMID: 25741868, with internal and published modifications).